The following is an entry in ClinVar:

ClinVar aggregate classification (germline): Uncertain significance. Review status: criteria provided, multiple submitters, no conflicts (2 of 4 stars). 2 submissions from 2 submitters: Uncertain significance (2). Last evaluated 2021-09-26.

Conditions:
Cardiovascular phenotype. Identifiers: MedGen CN230736.
Brugada syndrome. Also called: Sudden Unexplained Death Syndrome; Sudden Unexplained Nocturnal Death Syndrome (SUNDS); Sudden unexplained nocturnal death syndrome; Sudden unexpected nocturnal death syndrome. Identifiers: Orphanet 130, MedGen C1142166, MONDO:0015263.

Submissions (2):

Ambry Genetics
Classification: Uncertain significance for Cardiovascular phenotype. Last evaluated: 2021-09-26. Review status: criteria provided, single submitter. Criteria: Ambry Variant Classification Scheme 2023. Collection method: clinical testing. Allele origin: germline.
Comment: The p.A168V variant (also known as c.503C>T), located in coding exon 4 of the SCN10A gene, results from a C to T substitution at nucleotide position 503. The alanine at codon 168 is replaced by valine, an amino acid with similar properties. This amino acid position is conserved. In addition, the in silico prediction for this alteration is inconclusive. Since supporting evidence is limited at this time, the clinical significance of this alteration remains unclear.

Labcorp Genetics (formerly Invitae), Labcorp
Classification: Uncertain significance for Brugada syndrome. Last evaluated: 2021-04-28. Review status: criteria provided, single submitter. Criteria: Invitae Variant Classification Sherloc (09022015). Collection method: clinical testing. Allele origin: germline.
Comment: In summary, the available evidence is currently insufficient to determine the role of this variant in disease. Therefore, it has been classified as a Variant of Uncertain Significance. Advanced modeling of protein sequence and biophysical properties (such as structural, functional, and spatial information, amino acid conservation, physicochemical variation, residue mobility, and thermodynamic stability) performed at Invitae indicates that this missense variant is expected to disrupt SCN10A protein function. This variant has not been reported in the literature in individuals with SCN10A-related conditions. This variant is not present in population databases (ExAC no frequency). This sequence change replaces alanine with valine at codon 168 of the SCN10A protein (p.Ala168Val). The alanine residue is weakly conserved and there is a small physicochemical difference between alanine and valine.

NM_006514.4(SCN10A):c.503C>T (p.Ala168Val)

Gene: SCN10A (sodium voltage-gated channel alpha subunit 10; minus strand). Cytogenetic location: 3p22.2.
Variant type: single nucleotide variant.
Coding change: c.503C>T on transcript NM_006514.4 (MANE Select); coding-DNA position 503, C replaced by T.
Protein change: p.Ala168Val; replaces alanine 168 with valine.
Molecular consequence: missense variant.
Genome position (GRCh38, 1-based): chr3:38,771,375, G>A on the plus strand (C>T on the coding strand, the complement: SCN10A is on the minus strand). VCF-style: chr3-38771375-G-A. GRCh37 (hg19) VCF-style: chr3-38812866-G-A.
Other names: c.503C>T, p.Ala168Val (NM_001293306.2, NM_001293307.2); short protein forms A168V.
Identifiers: ClinVar variation 1402327 (VCV001402327.10), dbSNP rs558639346, ClinGen allele CA352156435.